The following is an entry in ClinVar:

NM_025179.4(PLXNA2):c.2522C>T (p.Pro841Leu)

Gene: PLXNA2 (plexin A2; minus strand). Cytogenetic location: 1q32.2.
Variant type: single nucleotide variant.
Coding change: c.2522C>T on transcript NM_025179.4 (MANE Select); coding-DNA position 2522, C replaced by T.
Protein change: p.Pro841Leu; replaces proline 841 with leucine.
Molecular consequence: missense variant.
Genome position (GRCh38, 1-based): chr1:208,079,324, G>A on the plus strand (C>T on the coding strand, the complement: PLXNA2 is on the minus strand). VCF-style: chr1-208079324-G-A. GRCh37 (hg19) VCF-style: chr1-208252669-G-A.
Other names: short protein forms P841L.
Identifiers: ClinVar variation 2283497 (VCV002283497.4), dbSNP rs1459325413, ClinGen allele CA344553602.

ClinVar aggregate classification (germline): Uncertain significance. Review status: criteria provided, multiple submitters, no conflicts (2 of 4 stars). 2 submissions from 2 submitters: Uncertain significance (2). Last evaluated 2025-03-12.

Allele frequency attached by ClinVar (database versions not stated): gnomAD 0.00001; TOPMed below 0.00001.

Submissions (2):

Labcorp Genetics (formerly Invitae), Labcorp
Classification: Uncertain significance. Last evaluated: 2025-03-12. Review status: criteria provided, single submitter. Criteria: Invitae Variant Classification Sherloc (09022015). Collection method: clinical testing. Allele origin: germline.
Comment: This sequence change replaces proline, which is neutral and non-polar, with leucine, which is neutral and non-polar, at codon 841 of the PLXNA2 protein (p.Pro841Leu). This variant is not present in population databases (gnomAD no frequency). This variant has not been reported in the literature in individuals affected with PLXNA2-related conditions. ClinVar contains an entry for this variant (Variation ID: 2283497). Invitae Evidence Modeling of protein sequence and biophysical properties (such as structural, functional, and spatial information, amino acid conservation, physicochemical variation, residue mobility, and thermodynamic stability) indicates that this missense variant is not expected to disrupt PLXNA2 protein function with a negative predictive value of 80%. In summary, the available evidence is currently insufficient to determine the role of this variant in disease. Therefore, it has been classified as a Variant of Uncertain Significance.

Ambry Genetics
Classification: Uncertain significance. Last evaluated: 2022-04-12. Review status: criteria provided, single submitter. Criteria: Ambry Variant Classification Scheme 2023. Collection method: clinical testing. Allele origin: germline.